The following is an entry in ClinVar:

ClinVar aggregate classification (germline): Uncertain significance (1 of 4 stars; one submission).

Allele frequency attached by ClinVar (database versions not stated): gnomAD exomes below 0.00001.
gnomAD v4.1: 7 of 1,614,222 alleles (0.00043%); highest among the groups gnomAD compares: Non-Finnish European, 0.00059%; no homozygotes.

Submission:

Labcorp Genetics (formerly Invitae), Labcorp
Classification: Uncertain significance. Last evaluated: 2025-09-02. Review status: criteria provided, single submitter. Criteria: Invitae Variant Classification Sherloc (09022015). Collection method: clinical testing. Allele origin: germline.
Comment: This sequence change replaces isoleucine, which is neutral and non-polar, with threonine, which is neutral and polar, at codon 93 of the SLC7A14 protein (p.Ile93Thr). This variant is not present in population databases (gnomAD no frequency). This variant has not been reported in the literature in individuals affected with SLC7A14-related conditions. ClinVar contains an entry for this variant (Variation ID: 2738674). An algorithm developed to predict the effect of missense changes on protein structure and function (PolyPhen-2) suggests that this variant is likely to be disruptive. In summary, the available evidence is currently insufficient to determine the role of this variant in disease. Therefore, it has been classified as a Variant of Uncertain Significance.

NM_020949.3(SLC7A14):c.278T>C (p.Ile93Thr)

Genes: SLC7A14 (solute carrier family 7 member 14; minus strand), SLC7A14-AS1 (SLC7A14 antisense RNA 1; plus strand). Cytogenetic location: 3q26.2.
Variant type: single nucleotide variant.
Coding change: c.278T>C on transcript NM_020949.3 (MANE Select); coding-DNA position 278, T replaced by C.
Protein change: p.Ile93Thr; replaces isoleucine 93 with threonine.
Molecular consequence: missense variant.
Genome position (GRCh38, 1-based): chr3:170,526,659, A>G on the plus strand (T>C on the coding strand, the complement: SLC7A14 is on the minus strand). VCF-style: chr3-170526659-A-G. GRCh37 (hg19) VCF-style: chr3-170244448-A-G.
Other names: short protein forms I93T.
Identifiers: ClinVar variation 2738674 (VCV002738674.3), dbSNP rs1713513861, ClinGen allele CA355519860.